The following is an entry in ClinVar:

ClinVar aggregate classification (germline): Pathogenic. Review status: criteria provided, multiple submitters, no conflicts (2 of 4 stars). 9 submissions from 9 submitters: Pathogenic (7). 2 of the submissions do not count toward it. Last evaluated 2025-05-23.

Conditions:
Sandhoff disease, adult form. Also called: Late-Onset Sandhoff Disease; Sandhoff disease, adult type. Identifiers: Orphanet 309169, MedGen C0751489, MONDO:0017723.
Sandhoff disease. Also called: Beta-hexosaminidase-beta-subunit deficiency; GM2 gangliosidosis, type 2; Total hexosaminidase deficiency; Sandhoff-Jatzkewitz-Pilz disease; GM2-GANGLIOSIDOSIS, TYPE II; HEXOSAMINIDASES A AND B DEFICIENCY. Identifiers: Orphanet 796, MedGen C0036161, MONDO:0010006, OMIM 268800.

Allele frequency attached by ClinVar (database versions not stated): gnomAD 0.00001; ExAC 0.00002; TOPMed 0.00002; gnomAD exomes 0.00003 and 0.00005.
gnomAD v4.1: 70 of 1,613,820 alleles (0.0043%); highest among the groups gnomAD compares: Admixed American, 0.01%; no homozygotes.

Submissions (10):

Natera, Inc.
Classification: Pathogenic for Sandhoff disease. Last evaluated: 2025-05-23. Review status: criteria provided, single submitter. Criteria: Natera Variant Classification Schema (03/2026). Collection method: clinical testing. Allele origin: germline.
Comment: The c.1514G>A variant in HEXB is a missense variant predicted to cause substitution of arginine to glutamine at amino acid 505. This variant is rare in the general population with a frequency below the threshold expected for the associated phenotype(s). This variant has been observed in one or more individuals affected with the associated recessive disease, as either homozygous or compound heterozygous with a second variant (PMID: 20798201, 22789865, 23759947, 20926324). Functional studies show that this variant may disrupt protein function (PMID: 22789865). Computational prediction algorithms indicate this variant is likely to affect gene or protein function. Given the available evidence, this variant is classified as Pathogenic.

3billion
Classification: Pathogenic for Sandhoff disease. Last evaluated: 2025-01-07. Review status: criteria provided, single submitter. Criteria: ACMG Guidelines, 2015. Collection method: clinical testing. Allele origin: germline. Affected: yes.
Comment: The variant is observed at an extremely low frequency in the gnomAD v4.1.0 dataset (total allele frequency: 0.004%). Predicted Consequence/Location: Missense variant. The majority of the known disease-causing variants of this gene are variants expected to result in premature termination of the protein. In silico tool predictions suggest damaging effect of the variant on gene or gene product [REVEL: 0.95 (>=0.6, sensitivity 0.68 and specificity 0.92); 3Cnet: 0.96 (>=0.6, sensitivity 0.72 and precision 0.9)]. The same nucleotide change resulting in the same amino acid change has been previously reported as pathogenic/likely pathogenic with strong evidence (ClinVar ID: VCV000003879 /PMID: 8357844). The variant has been reported to be in trans with a pathogenic variant as either compound heterozygous or homozygous in at least one similarly affected unrelated individual (PMID: 23010210, 23759947). Different missense changes at the same codon (p.Arg505Pro, p.Arg505Trp) have been reported as pathogenic/likely pathogenic with strong evidence (ClinVar ID: VCV000975004, VCV001489776 /PMID: 31995250). Therefore, this variant is classified as Pathogenic according to the recommendation of ACMG/AMP guideline.

Fulgent Genetics
Classification: Pathogenic for Sandhoff disease. Last evaluated: 2024-03-22. Review status: criteria provided, single submitter. Criteria: ACMG Guidelines, 2015. Collection method: clinical testing. Allele origin: germline.

Laboratory of Medical Genetics, National & Kapodistrian University of Athens
Classification: Pathogenic for Sandhoff disease. Last evaluated: 2024-02-01. Review status: criteria provided, single submitter. Criteria: ACMG Guidelines, 2015. Collection method: curation. Allele origin: germline. Affected: no.

Labcorp Genetics (formerly Invitae), Labcorp
Classification: Pathogenic for Sandhoff disease. Last evaluated: 2023-10-04. Review status: criteria provided, single submitter. Criteria: Invitae Variant Classification Sherloc (09022015). Collection method: clinical testing. Allele origin: germline.
Comment: This sequence change replaces arginine, which is basic and polar, with glutamine, which is neutral and polar, at codon 505 of the HEXB protein (p.Arg505Gln). This variant is present in population databases (rs121907983, gnomAD 0.01%). This missense change has been observed in individual(s) with Sandhoff disease (PMID: 8950198, 12027830, 23759947). It has also been observed to segregate with disease in related individuals. ClinVar contains an entry for this variant (Variation ID: 3879). Advanced modeling of protein sequence and biophysical properties (such as structural, functional, and spatial information, amino acid conservation, physicochemical variation, residue mobility, and thermodynamic stability) performed at Invitae indicates that this missense variant is expected to disrupt HEXB protein function. Experimental studies have shown that this missense change affects HEXB function (PMID: 8357844). For these reasons, this variant has been classified as Pathogenic.

Revvity Omics, Revvity
Classification: Pathogenic for Sandhoff disease. Last evaluated: 2021-08-26. Review status: criteria provided, single submitter. Criteria: ACMG Guidelines, 2015. Collection method: clinical testing. Allele origin: germline.

Women's Health and Genetics/Laboratory Corporation of America, LabCorp
Classification: Pathogenic for Sandhoff disease. Last evaluated: 2020-10-18. Review status: criteria provided, single submitter. Criteria: LabCorp Variant Classification Summary - May 2015. Collection method: clinical testing. Allele origin: germline.
Comment: Variant summary: HEXB c.1514G>A (p.Arg505Gln) results in a conservative amino acid change located in the Glycoside hydroxylase family 20, catalytic domain (IPR015883) of the encoded protein sequence. Four of five in-silico tools predict a damaging effect of the variant on protein function. The variant allele was found at a frequency of 3.2e-05 in 251186 control chromosomes. c.1514G>A has been reported in the literature in multiple individuals affected with adult and juvenile onset Sandhoff Disease (example, Redonnet-Vernhet_1996, Hara_1998, Sakuraba_2002, Utsumi_2002, Delnooz_2010, Clarke_2011, Gort_2012, Sobek_2012, Yasui_2013). These data indicate that the variant is very likely to be associated with disease. Several publications report experimental evidence evaluating an impact on protein function. The most pronounced variant effect results in severe impairment of normal enzyme activity (example, Redonnet-Vernhet_1996). Two clinical diagnostic laboratories have submitted clinical-significance assessments for this variant to ClinVar after 2014 without evidence for independent evaluation. All laboratories classified the variant as pathogenic/likely pathogenic. Based on the evidence outlined above, the variant was classified as pathogenic.

Counsyl
Classification: Likely pathogenic for Sandhoff disease. Last evaluated: 2017-09-22. Review status: no assertion criteria provided. Collection method: clinical testing. Allele origin: unknown. Not counted in ClinVar's aggregate classification.

OMIM
Classification: Pathogenic for SANDHOFF DISEASE, ADULT TYPE. Last evaluated: 1993-09-08. Review status: no assertion criteria provided. Collection method: literature only. Allele origin: germline. Not counted in ClinVar's aggregate classification.

Dr. Peter K. Rogan Lab, Western University
No classification provided (evidence only). Condition: Melanoma. Review status: no classification provided. Collection method: in vitro. Allele origin: not applicable. Functional consequence: retained intron. Not counted in ClinVar's aggregate classification.

Literature cited by the submitters: PubMed 20798201 (cited by 3 submitters); PubMed 22789865 (cited by 3 submitters); PubMed 23759947 (cited by 5 submitters); PubMed 20926324 (cited by 3 submitters); PubMed 31995250 (cited by 3billion); PubMed 8357844 (cited by 4 submitters); PubMed 23010210 (cited by 3 submitters); PubMed 8950198 (cited by 3 submitters); PubMed 12027830 (cited by Labcorp Genetics (formerly Invitae), Labcorp and Women's Health and Genetics/Laboratory Corporation of America, LabCorp); PubMed 9562328 (cited by Women's Health and Genetics/Laboratory Corporation of America, LabCorp and Counsyl); PubMed 12166653 (cited by Women's Health and Genetics/Laboratory Corporation of America, LabCorp and Counsyl); PubMed 571983 (cited by OMIM); PubMed 2948136 (cited by OMIM).

NM_000521.4(HEXB):c.1514G>A (p.Arg505Gln)

Gene: HEXB (hexosaminidase subunit beta; plus strand). Cytogenetic location: 5q13.3.
Variant type: single nucleotide variant.
Coding change: c.1514G>A on transcript NM_000521.4 (MANE Select); coding-DNA position 1514, G replaced by A.
Protein change: p.Arg505Gln; replaces arginine 505 with glutamine.
Molecular consequence: missense variant.
Genome position (GRCh38, 1-based): chr5:74,720,648, G>A. VCF-style: chr5-74720648-G-A. GRCh37 (hg19) VCF-style: chr5-74016473-G-A.
Other names: c.839G>A, p.Arg280Gln (NM_001292004.2); short protein forms R505Q, R280Q.
Identifiers: ClinVar variation 3879 (VCV000003879.22), dbSNP rs121907983, ClinGen allele CA116487.
Genomic context (GRCh38, chr5:74,720,648, plus strand): 5'-AGTGCTAAACATAAATTTAAACTGCTTGCGGGGGGATGTGTGATTTAAATTTTAGGCCTC[G>A]GGCAAGTGCTGTTGGTGAGAGACTCTGGAGTTCCAAAGATGTCAGAGATATGGATGACGC-3'
Protein context (NP_000512.2, residues 495-515): ATNLTPRLWP[Arg505Gln]ASAVGERLWS